The following is an entry in ClinVar:

ClinVar aggregate classification (germline): Uncertain significance (1 of 4 stars; one submission).

Submission:

Labcorp Genetics (formerly Invitae), Labcorp
Classification: Uncertain significance. Last evaluated: 2022-02-17. Review status: criteria provided, single submitter. Criteria: Invitae Variant Classification Sherloc (09022015). Collection method: clinical testing. Allele origin: germline.
Comment: In summary, the available evidence is currently insufficient to determine the role of this variant in disease. Therefore, it has been classified as a Variant of Uncertain Significance. Algorithms developed to predict the effect of missense changes on protein structure and function are either unavailable or do not agree on the potential impact of this missense change (SIFT: "Tolerated"; PolyPhen-2: "Possibly Damaging"; Align-GVGD: "Class C0"). This variant has not been reported in the literature in individuals affected with SLC34A3-related conditions. This variant is not present in population databases (gnomAD no frequency). This sequence change replaces asparagine, which is neutral and polar, with threonine, which is neutral and polar, at codon 164 of the SLC34A3 protein (p.Asn164Thr).

NM_001177316.2(SLC34A3):c.491A>C (p.Asn164Thr)

Gene: SLC34A3 (solute carrier family 34 member 3; plus strand). Cytogenetic location: 9q34.3.
Variant type: single nucleotide variant.
Coding change: c.491A>C on transcript NM_001177316.2 (MANE Select); coding-DNA position 491, A replaced by C.
Protein change: p.Asn164Thr; replaces asparagine 164 with threonine.
Molecular consequence: missense variant.
Genome position (GRCh38, 1-based): chr9:137,233,046, A>C. VCF-style: chr9-137233046-A-C. GRCh37 (hg19) VCF-style: chr9-140127498-A-C.
Other names: c.491A>C, p.Asn164Thr (NM_001177317.2, NM_080877.3); short protein forms N164T.
Identifiers: ClinVar variation 2071065 (VCV002071065.4), dbSNP rs2538803911, ClinGen allele CA375729969.